The following is an entry in ClinVar:

NM_024306.5(FA2H):c.939G>T (p.Met313Ile)

Gene: FA2H (fatty acid 2-hydroxylase; minus strand). Cytogenetic location: 16q23.1.
Variant type: single nucleotide variant.
Coding change: c.939G>T on transcript NM_024306.5 (MANE Select); coding-DNA position 939, G replaced by T.
Protein change: p.Met313Ile; replaces methionine 313 with isoleucine.
Molecular consequence: missense variant.
Genome position (GRCh38, 1-based): chr16:74,716,447, C>A on the plus strand (G>T on the coding strand, the complement: FA2H is on the minus strand). VCF-style: chr16-74716447-C-A. GRCh37 (hg19) VCF-style: chr16-74750345-C-A.
Other names: short protein forms M313I.
Identifiers: ClinVar variation 2195858 (VCV002195858.4), dbSNP rs2544312063, ClinGen allele CA396769030.
Genomic context (GRCh38, chr16:74,716,447, plus strand): 5'-CTTCAGGCTGTACAGGTAGGAGCCCTTGTGCGGCGAGCCAAAGTGCAGGTAGTAATGGGT[C>A]ATGTCATAGAGGACGTAGCCCAGGAGGCCCCCCGCAAACACAGTGCCCCCTACTGCCTCG-3'
Protein context (NP_077282.3, residues 303-323): GGLLGYVLYD[Met313Ile]THYYLHFGSP

ClinVar aggregate classification (germline): Uncertain significance (1 of 4 stars; one submission).

Conditions:
Spastic paraplegia. Identifiers: MedGen C0037772, HP:0001258.

gnomAD v4.1: 3 of 1,613,986 alleles (0.00019%); highest among the groups gnomAD compares: Admixed American, 0.005%; no homozygotes.

Submission:

Labcorp Genetics (formerly Invitae), Labcorp
Classification: Uncertain significance for Spastic paraplegia. Last evaluated: 2022-03-30. Review status: criteria provided, single submitter. Criteria: Invitae Variant Classification Sherloc (09022015). Collection method: clinical testing. Allele origin: germline.
Comment: Advanced modeling of protein sequence and biophysical properties (such as structural, functional, and spatial information, amino acid conservation, physicochemical variation, residue mobility, and thermodynamic stability) performed at Invitae indicates that this missense variant is expected to disrupt FA2H protein function. In summary, the available evidence is currently insufficient to determine the role of this variant in disease. Therefore, it has been classified as a Variant of Uncertain Significance. This variant has not been reported in the literature in individuals affected with FA2H-related conditions. This variant is not present in population databases (gnomAD no frequency). This sequence change replaces methionine, which is neutral and non-polar, with isoleucine, which is neutral and non-polar, at codon 313 of the FA2H protein (p.Met313Ile).